The following is an entry in ClinVar:

ClinVar aggregate classification (germline): Uncertain significance (1 of 4 stars; one submission).

Submission:

Labcorp Genetics (formerly Invitae), Labcorp
Classification: Uncertain significance. Last evaluated: 2024-07-07. Review status: criteria provided, single submitter. Criteria: Invitae Variant Classification Sherloc (09022015). Collection method: clinical testing. Allele origin: germline.
Comment: This sequence change creates a premature translational stop signal (p.Arg1588Thrfs*40) in the WDR87 gene. While this is not anticipated to result in nonsense mediated decay, it is expected to disrupt the last 1286 amino acid(s) of the WDR87 protein. The frequency data for this variant in the population databases is considered unreliable, as metrics indicate poor data quality at this position in the gnomAD database. This variant has not been reported in the literature in individuals affected with WDR87-related conditions. Experimental studies and prediction algorithms are not available or were not evaluated, and the functional significance of this variant is currently unknown. In summary, the available evidence is currently insufficient to determine the role of this variant in disease. Therefore, it has been classified as a Variant of Uncertain Significance.

NM_001291088.2(WDR87):c.4878dup (p.Arg1627fs)

Gene: WDR87 (WD repeat domain 87; minus strand). Cytogenetic location: 19q13.13.
Variant type: Duplication.
Coding change: c.4878dup on transcript NM_001291088.2 (MANE Select); coding-DNA position 4878, one base duplicated (A; older notation c.4878dupA).
Protein change: p.Arg1627fs; shifts the reading frame from arginine 1627.
Molecular consequence: frameshift variant.
Genome position (GRCh38, 1-based): chr19:37,888,793, T duplicated on the plus strand (A on the coding strand, the reverse complement: WDR87 is on the minus strand); the first of 8 consecutive T bases (chr19:37,888,793-37,888,800); duplicating any one gives the same sequence. VCF-style (leftmost placement, unchanged base first): chr19-37888792-G-GT. GRCh37 (hg19) VCF-style: chr19-38379432-G-GT.
Other names: c.4761dup, p.Arg1588fs (NM_031951.5); short protein forms R1588fs, R1627fs.
Identifiers: ClinVar variation 3626929 (VCV003626929.2).